The following is an entry in ClinVar:

ClinVar aggregate classification (germline): Uncertain significance (1 of 4 stars; one submission).

Conditions:
Early-infantile DEE. Also called: Ohtahara syndrome; Early infantile epileptic encephalopathy; Early infantile epileptic encephalopathy with suppression bursts. Identifiers: Orphanet 1934, MedGen C0393706, MONDO:0800491.

Allele frequency attached by ClinVar (database versions not stated): TOPMed 0.00001.
gnomAD v4.1: 7 of 1,614,198 alleles (0.00043%); highest among the groups gnomAD compares: South Asian, 0.0022%; no homozygotes.

Submission:

Labcorp Genetics (formerly Invitae), Labcorp
Classification: Uncertain significance for Early-infantile DEE. Last evaluated: 2024-02-23. Review status: criteria provided, single submitter. Criteria: Invitae Variant Classification Sherloc (09022015). Collection method: clinical testing. Allele origin: germline.
Comment: This sequence change replaces arginine, which is basic and polar, with tryptophan, which is neutral and slightly polar, at codon 1525 of the SPTAN1 protein (p.Arg1525Trp). This variant is present in population databases (no rsID available, gnomAD 0.003%). This variant has not been reported in the literature in individuals affected with SPTAN1-related conditions. Advanced modeling of protein sequence and biophysical properties (such as structural, functional, and spatial information, amino acid conservation, physicochemical variation, residue mobility, and thermodynamic stability) has been performed at Invitae for this missense variant, however the output from this modeling did not meet the statistical confidence thresholds required to predict the impact of this variant on SPTAN1 protein function. In summary, the available evidence is currently insufficient to determine the role of this variant in disease. Therefore, it has been classified as a Variant of Uncertain Significance.

NM_001130438.3(SPTAN1):c.4573C>T (p.Arg1525Trp)

Gene: SPTAN1 (spectrin alpha, non-erythrocytic 1; plus strand). Cytogenetic location: 9q34.11.
Variant type: single nucleotide variant.
Coding change: c.4573C>T on transcript NM_001130438.3 (MANE Select); coding-DNA position 4573, C replaced by T.
Protein change: p.Arg1525Trp; replaces arginine 1525 with tryptophan.
Molecular consequence: missense variant.
Genome position (GRCh38, 1-based): chr9:128,608,955, C>T. VCF-style: chr9-128608955-C-T. GRCh37 (hg19) VCF-style: chr9-131371234-C-T.
Other names: c.4513C>T, p.Arg1505Trp (NM_001195532.2, NM_001363765.2, NM_001375314.2); c.4573C>T, p.Arg1525Trp (NM_001363759.2, NM_001375310.1, NM_001375311.2 and 2 more transcripts); c.4609C>T, p.Arg1537Trp (NM_001375312.2, NM_001375318.1); short protein forms R1525W, R1537W, R1505W.
Identifiers: ClinVar variation 2877268 (VCV002877268.3), dbSNP rs1020109700, ClinGen allele CA200399217.